The following is an entry in ClinVar:

NM_000088.4(COL1A1):c.2386C>T (p.Arg796Cys)

Gene: COL1A1 (collagen type I alpha 1 chain; minus strand). Cytogenetic location: 17q21.33.
Variant type: single nucleotide variant.
Coding change: c.2386C>T on transcript NM_000088.4 (MANE Select); coding-DNA position 2386, C replaced by T.
Protein change: p.Arg796Cys; replaces arginine 796 with cysteine.
Molecular consequence: missense variant.
Genome position (GRCh38, 1-based): chr17:50,190,554, G>A on the plus strand (C>T on the coding strand, the complement: COL1A1 is on the minus strand). VCF-style: chr17-50190554-G-A. GRCh37 (hg19) VCF-style: chr17-48267915-G-A.
Other names: short protein forms R796C.
Identifiers: ClinVar variation 1359391 (VCV001359391.12), dbSNP rs751890158, ClinGen allele CA400208075.

ClinVar aggregate classification (germline): Uncertain significance. Review status: criteria provided, multiple submitters, no conflicts (2 of 4 stars). 5 submissions from 5 submitters: Uncertain significance (5). Last evaluated 2026-09-23.

Conditions:
Cardiovascular phenotype. Identifiers: MedGen CN230736.
Osteogenesis imperfecta type I (OI1). Also called: Lobstein disease; OI, TYPE I; OSTEOGENESIS IMPERFECTA TARDA; OSTEOGENESIS IMPERFECTA WITH BLUE SCLERAE; Osteogenesis imperfecta type 1; Classic Non-deforming Osteogenesis Imperfecta with Blue Sclerae. Identifiers: Orphanet 216796, Orphanet 666, MedGen C0023931, MONDO:0008146, OMIM 166200. Disease mechanism: loss of function.
COL1A1-related disorder. Also called: COL1A1- related disease; COL1A1-related condition.

gnomAD v4.1: 11 of 1,612,464 alleles (0.00068%); highest among the groups gnomAD compares: Admixed American, 0.0017%; no homozygotes.

Submissions (5):

GeneDx
Classification: Uncertain significance. Last evaluated: 2026-09-23. Review status: criteria provided, single submitter. Criteria: GeneDx Variant Classification Process June 2021. Collection method: clinical testing. Allele origin: germline.
Comment: Identified in a patient with suspected connective tissue disorder in published literature (PMID: 35903967, 35918752); Not observed at significant frequency in large population cohorts (gnomAD); In silico analysis supports that this missense variant has a deleterious effect on protein structure/function; Located in the Gly-Xaa-Yaa triple helical region of the pro-alpha1(I) chain encoded by the COL1A1 gene, where triplet glycine substitutions are the most common cause of osteogenesis imperfecta (OI). The effect of missense substitution at the X and Y positions are more difficult to predict; however, multiple variants that result in introduction of a Cys residue in pro-alpha1(I) have been reported to be pathogenic (PMID: 9399846); This variant is associated with the following publications: (PMID: 33777089, 35903967, 35918752, 9399846)

PreventionGenetics, part of Exact Sciences
Classification: Uncertain significance for COL1A1-related condition. Last evaluated: 2026-03-10. Review status: criteria provided, single submitter. Criteria: ACMG Guidelines, 2015. Collection method: clinical testing. Allele origin: germline.
Comment: The COL1A1 c.2386C>T variant is predicted to result in the amino acid substitution p.Arg796Cys. This variant was reported in an individual with connective tissue disorder (Steinle et al. 2022. PubMed ID: 35903967; Table S2, Veatch et al. 2022. PubMed ID: 35918752). This variant is reported in 0.0016% of alleles in individuals of European (Non-Finnish) descent in gnomAD. At this time, the clinical significance of this variant is uncertain due to the absence of conclusive functional and genetic evidence.

Labcorp Genetics (formerly Invitae), Labcorp
Classification: Uncertain significance for Osteogenesis imperfecta type I. Last evaluated: 2025-11-21. Review status: criteria provided, single submitter. Criteria: Invitae Variant Classification Sherloc (09022015). Collection method: clinical testing. Allele origin: germline.
Comment: This sequence change replaces arginine, which is basic and polar, with cysteine, which is neutral and slightly polar, at codon 796 of the COL1A1 protein (p.Arg796Cys). This variant is present in population databases (no rsID available, gnomAD 0.002%). This missense change has been observed in individual(s) with clinical features of COL1A1 related conditions (PMID: 35903967). ClinVar contains an entry for this variant (Variation ID: 1359391). Invitae Evidence Modeling of protein sequence and biophysical properties (such as structural, functional, and spatial information, amino acid conservation, physicochemical variation, residue mobility, and thermodynamic stability) indicates that this missense variant is expected to disrupt COL1A1 protein function with a positive predictive value of 95%. In summary, the available evidence is currently insufficient to determine the role of this variant in disease. Therefore, it has been classified as a Variant of Uncertain Significance.

Women's Health and Genetics/Laboratory Corporation of America, LabCorp
Classification: Uncertain significance. Last evaluated: 2025-09-10. Review status: criteria provided, single submitter. Criteria: LabCorp Variant Classification Summary - May 2015. Collection method: clinical testing. Allele origin: germline.
Comment: Variant summary: COL1A1 c.2386C>T (p.Arg796Cys) results in a non-conservative amino acid change in the encoded protein sequence. Algorithms developed to predict the effect of missense changes on protein structure and function all suggest that this variant is likely to be disruptive. The variant allele was found at a frequency of 8e-06 in 250002 control chromosomes (gnomAD). The available data on variant occurrences in the general population are insufficient to allow any conclusion about variant significance. c.2386C>T has been observed in an individual affected with a connective tissue disorder without strong evidence of causality (Steinle_2022, Veatch_2022). These reports do not provide unequivocal conclusions about association of the variant with Osteogenesis imperfecta type I. To our knowledge, no experimental evidence demonstrating an impact on protein function has been reported. The following publications have been ascertained in the context of this evaluation (PMID: 35903967, 35918752). ClinVar contains an entry for this variant (Variation ID: 1359391). Based on the evidence outlined above, the variant was classified as uncertain significance.

Ambry Genetics
Classification: Uncertain significance for Cardiovascular phenotype. Last evaluated: 2022-08-29. Review status: criteria provided, single submitter. Criteria: Ambry Variant Classification Scheme 2023. Collection method: clinical testing. Allele origin: germline.
Comment: The p.R796C variant (also known as c.2386C>T), located in coding exon 34 of the COL1A1 gene, results from a C to T substitution at nucleotide position 2386. The arginine at codon 796 is replaced by cysteine, an amino acid with highly dissimilar properties. This alteration was reported in a connective tissue disorder cohort (Veatch OJ et al. BMC Med Genomics, 2022 08;15:169). This amino acid position is highly conserved in available vertebrate species. In addition, this alteration is predicted to be deleterious by in silico analysis. Since supporting evidence is limited at this time, the clinical significance of this alteration remains unclear.

Literature cited by the submitters: PubMed 35903967 (cited by Labcorp Genetics (formerly Invitae), Labcorp and Women's Health and Genetics/Laboratory Corporation of America, LabCorp); PubMed 35918752 (cited by Women's Health and Genetics/Laboratory Corporation of America, LabCorp and Ambry Genetics).